The following is an entry in ClinVar:

ClinVar aggregate classification (germline): Likely benign. Review status: criteria provided, multiple submitters, no conflicts (2 of 4 stars). 2 submissions from 2 submitters: Likely benign (2). Last evaluated 2025-05-14.

gnomAD v4.1: 5 of 1,613,934 alleles (0.00031%); highest among the groups gnomAD compares: South Asian, 0.0011%; no homozygotes.

Submissions (2):

Labcorp Genetics (formerly Invitae), Labcorp
Classification: Likely benign. Last evaluated: 2025-05-14. Review status: criteria provided, single submitter. Criteria: Invitae Variant Classification Sherloc (09022015). Collection method: clinical testing. Allele origin: germline.

CeGaT Center for Human Genetics Tuebingen
Classification: Likely benign. Last evaluated: 2025-04-01. Review status: criteria provided, single submitter. Criteria: CeGaT Center For Human Genetics Tuebingen Variant Classification Criteria Version 2. Collection method: clinical testing. Allele origin: germline. Affected: yes. Observed: 1 variant allele.
Comment: TRRAP: BP4, BP7

NM_001375524.1(TRRAP):c.6459G>A (p.Leu2153=)

Gene: TRRAP (transformation/transcription domain associated protein; plus strand). Cytogenetic location: 7q22.1.
Variant type: single nucleotide variant.
Coding change: c.6459G>A on transcript NM_001375524.1 (MANE Select); coding-DNA position 6459, G replaced by A.
Protein change: p.Leu2153=; no amino-acid change (leucine 2153 retained).
Molecular consequence: synonymous variant.
Genome position (GRCh38, 1-based): chr7:98,959,460, G>A. VCF-style: chr7-98959460-G-A. GRCh37 (hg19) VCF-style: chr7-98557083-G-A.
Other names: c.6438G>A, p.Leu2146= (NM_001244580.2); c.6384G>A, p.Leu2128= (NM_003496.4).
Identifiers: ClinVar variation 3898552 (VCV003898552.8).